The following is an entry in ClinVar:

ClinVar aggregate classification (germline): Uncertain significance (1 of 4 stars; one submission).

gnomAD v4.1: 14 of 1,410,082 alleles (0.00099%); highest among the groups gnomAD compares: East Asian, 0.0023%; no homozygotes.

Submission:

CeGaT Center for Human Genetics Tuebingen
Classification: Uncertain significance. Last evaluated: 2025-07-01. Review status: criteria provided, single submitter. Criteria: CeGaT Center For Human Genetics Tuebingen Variant Classification Criteria Version 2. Collection method: clinical testing. Allele origin: germline. Affected: yes. Observed: 1 variant allele.
Comment: DNAAF4: PM2:Supporting, BP4

NM_001033560.2(DNAAF4):c.1125C>G (p.His375Gln)

Genes: DNAAF4 (dynein axonemal assembly factor 4; minus strand), DNAAF4-CCPG1 (DNAAF4-CCPG1 readthrough (NMD candidate); minus strand), PIERCE2 (piercer of microtubule wall 2; plus strand). Cytogenetic location: 15q21.3.
Variant type: single nucleotide variant.
Coding change: c.1125C>G on transcript NM_001033560.2; coding-DNA position 1125, C replaced by G.
Protein change: p.His375Gln; replaces histidine 375 with glutamine.
Molecular consequence: missense variant. On other transcripts: intron variant (1).
Genome position (GRCh38, 1-based): chr15:55,418,056, G>C on the plus strand (C>G on the coding strand, the complement: DNAAF4 is on the minus strand). VCF-style: chr15-55418056-G-C. GRCh37 (hg19) VCF-style: chr15-55710254-G-C.
Other names: c.19-167G>C (NM_001198784.2); short protein forms H375Q.
Identifiers: ClinVar variation 4084689 (VCV004084689.8).